The following is an entry in ClinVar:

ClinVar aggregate classification (germline): Conflicting classifications of pathogenicity. Review status: criteria provided, conflicting classifications (1 of 4 stars). 3 submissions from 3 submitters: Uncertain significance (2); Likely benign (1). Last evaluated 2023-10-13.

Conditions:
Hereditary breast ovarian cancer syndrome. Also called: Hereditary breast and ovarian cancer syndrome (HBOC); Hereditary breast and ovarian cancer syndrome; Breast and ovarian cancer; Hereditary breast and/or ovarian cancer syndrome; Hereditary breast and ovarian cancer; BRCA1- and BRCA2-Associated Hereditary Breast and Ovarian Cancer. Identifiers: Orphanet 145, MedGen C0677776, MeSH D061325, MONDO:0003582. Disease mechanism: loss of function.
Hereditary cancer-predisposing syndrome. Also called: Neoplastic Syndromes, Hereditary; Hereditary Cancer Syndrome; Hereditary neoplastic syndrome; Tumor predisposition. Identifiers: Orphanet 140162, MedGen C0027672, MeSH D009386, MONDO:0015356.

Submissions (3):

Labcorp Genetics (formerly Invitae), Labcorp
Classification: Uncertain significance for Hereditary breast ovarian cancer syndrome. Last evaluated: 2023-10-13. Review status: criteria provided, single submitter. Criteria: Invitae Variant Classification Sherloc (09022015). Collection method: clinical testing. Allele origin: germline.
Comment: This sequence change replaces aspartic acid, which is acidic and polar, with tyrosine, which is neutral and polar, at codon 1383 of the BRCA2 protein (p.Asp1383Tyr). This variant is not present in population databases (gnomAD no frequency). This variant has not been reported in the literature in individuals affected with BRCA2-related conditions. ClinVar contains an entry for this variant (Variation ID: 462326). Advanced modeling of protein sequence and biophysical properties (such as structural, functional, and spatial information, amino acid conservation, physicochemical variation, residue mobility, and thermodynamic stability) performed at Invitae indicates that this missense variant is not expected to disrupt BRCA2 protein function. In summary, the available evidence is currently insufficient to determine the role of this variant in disease. Therefore, it has been classified as a Variant of Uncertain Significance.

University of Washington Department of Laboratory Medicine, University of Washington
Classification: Likely benign for Hereditary cancer-predisposing syndrome. Last evaluated: 2023-03-23. Review status: criteria provided, single submitter. Criteria: Dines et al. (Genet Med. 2020). Collection method: curation. Allele origin: germline.
Comment: Missense variant in a coldspot region where missense variants are very unlikely to be pathogenic (PMID:31911673).

BRCA2 exon 11 coldspot. Reclassification based on statistical prior probability.

Ambry Genetics
Classification: Uncertain significance for Hereditary cancer-predisposing syndrome. Last evaluated: 2021-04-07. Review status: criteria provided, single submitter. Criteria: Ambry Variant Classification Scheme 2023. Collection method: clinical testing. Allele origin: germline.

NM_000059.4(BRCA2):c.4147G>T (p.Asp1383Tyr)

Gene: BRCA2 (BRCA2 DNA repair associated; plus strand). Cytogenetic location: 13q13.1.
Variant type: single nucleotide variant.
Coding change: c.4147G>T on transcript NM_000059.4 (MANE Select); coding-DNA position 4147, G replaced by T.
Protein change: p.Asp1383Tyr; replaces aspartic acid 1383 with tyrosine.
Molecular consequence: missense variant.
Genome position (GRCh38, 1-based): chr13:32,338,502, G>T. VCF-style: chr13-32338502-G-T. GRCh37 (hg19) VCF-style: chr13-32912639-G-T.
Other names: short protein forms D1383Y.
Identifiers: ClinVar variation 462326 (VCV000462326.11), dbSNP rs587782234, ClinGen allele CA387779981.